The following is an entry in ClinVar:

ClinVar aggregate classification (germline): Uncertain significance (1 of 4 stars; one submission).

Conditions:
LEPR-related disorder. Also called: LEPR-related condition; LEPR-related disorders.

Submission:

PreventionGenetics, part of Exact Sciences
Classification: Uncertain significance for LEPR-related condition. Last evaluated: 2024-12-31. Review status: criteria provided, single submitter. Criteria: ACMG Guidelines, 2015. Collection method: clinical testing. Allele origin: germline.
Comment: The LEPR c.1240A>G variant is predicted to result in the amino acid substitution p.Asn414Asp. To our knowledge, this variant has not been reported in the literature or in a large population database (gnomAD), indicating this variant is rare. At this time, the clinical significance of this variant is uncertain due to the absence of conclusive functional and genetic evidence.

NM_002303.6(LEPR):c.1240A>G (p.Asn414Asp)

Gene: LEPR (leptin receptor; plus strand). Cytogenetic location: 1p31.3.
Variant type: single nucleotide variant.
Coding change: c.1240A>G on transcript NM_002303.6 (MANE Select); coding-DNA position 1240, A replaced by G.
Protein change: p.Asn414Asp; replaces asparagine 414 with aspartic acid.
Molecular consequence: missense variant.
Genome position (GRCh38, 1-based): chr1:65,601,637, A>G. VCF-style: chr1-65601637-A-G. GRCh37 (hg19) VCF-style: chr1-66067320-A-G.
Other names: c.1240A>G, p.Asn414Asp (NM_001003679.3, NM_001003680.3, NM_001198687.2 and 2 more transcripts); short protein forms N414D.
Identifiers: ClinVar variation 4978047 (VCV004978047.1).